The following is an entry in ClinVar:

NM_001267550.2(TTN):c.10114+5G>A

Gene: TTN (titin; minus strand). Cytogenetic location: 2q31.2.
Variant type: single nucleotide variant.
Coding change: c.10114+5G>A on transcript NM_001267550.2 (MANE Select); 5 bases into the intron after coding-DNA position 10114, G replaced by A.
Molecular consequence: intron variant.
Genome position (GRCh38, 1-based): chr2:178,764,172, C>T on the plus strand (G>A on the coding strand, the complement: TTN is on the minus strand). VCF-style: chr2-178764172-C-T. GRCh37 (hg19) VCF-style: chr2-179628899-C-T.
Other names: c.10114+5G>A (NM_133378.4, NM_001256850.1, NM_133379.5 and 1 more transcripts); c.9976+5G>A (NM_003319.4, NM_133437.4, NM_133432.3).
Identifiers: ClinVar variation 46579 (VCV000046579.83), dbSNP rs115985443, ClinGen allele CA282639.
Genomic context (GRCh38, chr2:178,764,172, plus strand): 5'-AGAATGTTTTTCCCATGTAATTATTTGTAAGTATTGGCAATGACACCTTTTGTTCTTAAA[C>T]CTACCTGTTCCAGAAACCCGGCATTGAAAACGGGCTGGCTGCCCTTCAGAAGTGACAGTG-3'

ClinVar aggregate classification (germline): Conflicting classifications of pathogenicity. Review status: criteria provided, conflicting classifications (1 of 4 stars). 24 submissions from 20 submitters: Uncertain significance (1); Benign (11); Likely benign (9). 3 of the submissions do not count toward it. Last evaluated 2026-08-01.

Conditions:
TTN-related myopathy. Identifiers: MedGen CN294812, MONDO:0100175.
Cardiovascular phenotype. Identifiers: MedGen CN230736.
Autosomal recessive limb-girdle muscular dystrophy type 2J (LGMDR10). Also called: MUSCULAR DYSTROPHY, LIMB-GIRDLE, AUTOSOMAL RECESSIVE 10; Limb-girdle muscular dystrophy, type 2J. Identifiers: Orphanet 140922, MedGen C1837342, MONDO:0012127, OMIM 608807.
Dilated cardiomyopathy 1G (CMD1G). Identifiers: Orphanet 154, MedGen C1858763, MONDO:0011400, OMIM 604145.
Cardiomyopathy (CMYO). Also called: Cardiomyopathies. Identifiers: Orphanet 167848, MedGen C0878544, MONDO:0004994, HP:0001638. Inheritance: Various modes of inheritance.
Early-onset myopathy with fatal cardiomyopathy (CMYO5). Also called: CONGENITAL MYOPATHY 5 WITH CARDIOMYOPATHY; Salih Myopathy. Identifiers: Orphanet 289377, MedGen C2673677, MONDO:0012714, OMIM 611705. Disease mechanism: loss of function.
Myopathy, myofibrillar, 9, with early respiratory failure (MFM9). Also called: Myopathy, distal, with early respiratory failure, autosomal dominant; Hereditary myopathy with early respiratory failure; EDSTROM MYOPATHY; MYOPATHY, PROXIMAL, WITH EARLY RESPIRATORY MUSCLE INVOLVEMENT. Identifiers: Orphanet 178464, Orphanet 34521, MedGen C1863599, MONDO:0011362, OMIM 603689.
Tibial muscular dystrophy (TMD). Also called: Tibial muscular dystrophy, tardive; Udd Distal Myopathy – Tibial Muscular Dystrophy; UDD MYOPATHY. Identifiers: Orphanet 609, MedGen C1838244, MONDO:0010870, OMIM 600334.

Allele frequency attached by ClinVar (database versions not stated): gnomAD 0.00312 and 0.00334; ESP Exome Variant Server 0.00338; TOPMed 0.00371; 1000 Genomes Project 30x 0.00344; gnomAD exomes 0.00127 and 0.00068; ExAC 0.00131; 1000 Genomes Project 0.00339.
gnomAD v4.1: 1,512 of 1,614,058 alleles (0.094%); highest among the groups gnomAD compares: African/African-American, 0.98%; 8 homozygotes.

Submissions (25):

CeGaT Center for Human Genetics Tuebingen
Classification: Likely benign. Last evaluated: 2026-08-01. Review status: criteria provided, single submitter. Criteria: CeGaT Center For Human Genetics Tuebingen Variant Classification Criteria Version 2. Collection method: clinical testing. Allele origin: germline. Affected: yes. Observed: 29 variant alleles.
Comment: TTN: BP4, BS2

Labcorp Genetics (formerly Invitae), Labcorp
Classification: Benign for Dilated cardiomyopathy 1G; Autosomal recessive limb-girdle muscular dystrophy type 2J. Last evaluated: 2026-02-02. Review status: criteria provided, single submitter. Criteria: Invitae Variant Classification Sherloc (09022015). Collection method: clinical testing. Allele origin: germline.

Molecular Diagnostic Laboratory for Inherited Cardiovascular Disease, Montreal Heart Institute
Classification: Benign. Last evaluated: 2025-04-09. Review status: criteria provided, single submitter. Criteria: ACMG Guidelines, 2015. Collection method: clinical testing. Allele origin: germline. Affected: no.

Mayo Clinic Laboratories, Mayo Clinic
Classification: Likely benign. Last evaluated: 2024-11-07. Review status: criteria provided, single submitter. Criteria: ACMG Guidelines, 2015. Collection method: clinical testing. Allele origin: germline. Observed: 6 variant alleles.
Comment: BS1, BP4

Blueprint Genetics
Classification: Likely benign. Last evaluated: 2024-10-22. Review status: criteria provided, single submitter. Criteria: ACMG Guidelines, 2015. Collection method: clinical testing. Allele origin: germline.

Molecular Genetics, Royal Melbourne Hospital
Classification: Likely benign for TTN-related myopathy. Last evaluated: 2023-11-05. Review status: criteria provided, single submitter. Criteria: ACMG Guidelines, 2015. Collection method: clinical testing. Allele origin: germline. Inheritance: Autosomal recessive inheritance.

ARUP Laboratories, Molecular Genetics and Genomics, ARUP Laboratories
Classification: Likely benign. Last evaluated: 2021-05-07. Review status: criteria provided, single submitter. Criteria: ARUP Molecular Germline Variant Investigation Process 2021. Collection method: clinical testing. Allele origin: germline.

Athena Diagnostics
Classification: Benign. Last evaluated: 2020-11-09. Review status: criteria provided, single submitter. Criteria: Athena Diagnostics criteria. Collection method: clinical testing. Allele origin: unknown.

Women's Health and Genetics/Laboratory Corporation of America, LabCorp
Classification: Benign. Last evaluated: 2019-09-14. Review status: criteria provided, single submitter. Criteria: LabCorp Variant Classification Summary - May 2015. Collection method: clinical testing. Allele origin: germline.

Illumina Laboratory Services, Illumina
Classification: Uncertain significance for Autosomal recessive limb-girdle muscular dystrophy type 2J. Last evaluated: 2018-01-13. Review status: criteria provided, single submitter. Criteria: ICSL Variant Classification Criteria 13 December 2019. Collection method: clinical testing. Allele origin: germline.

Illumina Laboratory Services, Illumina
Classification: Likely benign for Dilated cardiomyopathy 1G. Last evaluated: 2018-01-13. Review status: criteria provided, single submitter. Criteria: ICSL Variant Classification Criteria 13 December 2019. Collection method: clinical testing. Allele origin: germline.
Comment: This variant was observed in the ICSL laboratory as part of a predisposition screen in an ostensibly healthy population. It had not been previously curated by ICSL or reported in the Human Gene Mutation Database (HGMD: prior to June 1st, 2018), and was therefore a candidate for classification through an automated scoring system. Utilizing variant allele frequency, disease prevalence and penetrance estimates, and inheritance mode, an automated score was calculated to assess if this variant is too frequent to cause the disease. Based on the score and internal cut-off values, a variant classified as likely benign is not then subjected to further curation. The score for this variant resulted in a classification of likely benign for this disease.

Illumina Laboratory Services, Illumina
Classification: Benign for Myopathy, myofibrillar, 9, with early respiratory failure. Last evaluated: 2018-01-13. Review status: criteria provided, single submitter. Criteria: ICSL Variant Classification Criteria 13 December 2019. Collection method: clinical testing. Allele origin: germline.
Comment: This variant was observed in the ICSL laboratory as part of a predisposition screen in an ostensibly healthy population. It had not been previously curated by ICSL or reported in the Human Gene Mutation Database (HGMD: prior to June 1st, 2018), and was therefore a candidate for classification through an automated scoring system. Utilizing variant allele frequency, disease prevalence and penetrance estimates, and inheritance mode, an automated score was calculated to assess if this variant is too frequent to cause the disease. Based on the score and internal cut-off values, a variant classified as benign is not then subjected to further curation. The score for this variant resulted in a classification of benign for this disease.

Illumina Laboratory Services, Illumina
Classification: Likely benign for Early-onset myopathy with fatal cardiomyopathy. Last evaluated: 2018-01-13. Review status: criteria provided, single submitter. Criteria: ICSL Variant Classification Criteria 13 December 2019. Collection method: clinical testing. Allele origin: germline.
Comment: the same text as in the submission from Illumina Laboratory Services, Illumina above.

Illumina Laboratory Services, Illumina
Classification: Benign for Tibial muscular dystrophy. Last evaluated: 2018-01-13. Review status: criteria provided, single submitter. Criteria: ICSL Variant Classification Criteria 13 December 2019. Collection method: clinical testing. Allele origin: germline.
Comment: the same text as in the submission from Illumina Laboratory Services, Illumina above.

CHEO Genetics Diagnostic Laboratory, Children's Hospital of Eastern Ontario
Classification: Benign for Cardiomyopathy. Last evaluated: 2016-03-02. Review status: criteria provided, single submitter. Criteria: ACMG Guidelines, 2015. Collection method: clinical testing. Allele origin: germline. Study: Canadian Open Genetics Repository.

Eurofins Ntd Llc (ga)
Classification: Benign. Last evaluated: 2015-08-06. Review status: criteria provided, single submitter. Criteria: EGL Classification Definitions 2015. Collection method: clinical testing. Allele origin: germline. Observed: 1 variant allele, 1 heterozygote.

Laboratory for Molecular Medicine, Mass General Brigham Personalized Medicine
Classification: Benign. Last evaluated: 2015-03-20. Review status: criteria provided, single submitter. Criteria: LMM Criteria. Collection method: clinical testing. Allele origin: germline. Observed: 3 variant alleles.
Comment: c.10114+5G>A in Intron 43 of TTN: This variant is not expected to have clinical significance because it has been identified in 1% (106/10380) of African chromos omes by the Exome Aggregation Consortium (ExAC; dbSNP rs115985443).

GeneDx
Classification: Benign. Last evaluated: 2014-05-12. Review status: criteria provided, single submitter. Criteria: GeneDx Variant Classification (06012015). Collection method: clinical testing. Allele origin: germline. Affected: yes.
Comment: This variant is considered likely benign or benign based on one or more of the following criteria: it is a conservative change, it occurs at a poorly conserved position in the protein, it is predicted to be benign by multiple in silico algorithms, and/or has population frequency not consistent with disease.

Genetic Services Laboratory, University of Chicago
Classification: Likely benign for AllHighlyPenetrant. Last evaluated: 2013-12-31. Review status: criteria provided, single submitter. Criteria: ACMG Guidelines, 2007. Collection method: clinical testing. Allele origin: germline.

Ambry Genetics
Classification: Likely benign for Cardiovascular phenotype. Last evaluated: 2012-12-14. Review status: criteria provided, single submitter. Criteria: Ambry Autosomal Dominant and X-Linked criteria (10/2015). Collection method: clinical testing. Allele origin: germline. Observed: 1 variant allele.

PreventionGenetics, part of Exact Sciences
Classification: Benign. Review status: criteria provided, single submitter. Criteria: ACMG Guidelines, 2015. Collection method: clinical testing. Allele origin: germline.

Clinical Genetics, Academic Medical Center
Classification: Benign. Review status: no assertion criteria provided. Collection method: clinical testing. Allele origin: germline. Affected: yes. Study: VKGL Data-share Consensus. Not counted in ClinVar's aggregate classification.

Diagnostic Laboratory, Department of Genetics, University Medical Center Groningen
Classification: Likely benign. Review status: no assertion criteria provided. Collection method: clinical testing. Allele origin: germline. Affected: yes. Study: VKGL Data-share Consensus. Not counted in ClinVar's aggregate classification.

Dr. Peter K. Rogan Lab, Western University
No classification provided (evidence only). Condition: Lung cancer. Review status: no classification provided. Collection method: in vitro. Allele origin: not applicable. Functional consequence: retained intron. Not counted in ClinVar's aggregate classification.

Laboratory of Diagnostic Genome Analysis, Leiden University Medical Center (LUMC)
Classification: Likely benign. Review status: no assertion criteria provided. Collection method: clinical testing. Allele origin: germline. Affected: yes. Study: VKGL Data-share Consensus. Not counted in ClinVar's aggregate classification.